The following is an entry in ClinVar:

NM_032447.5(FBN3):c.1331G>A (p.Arg444His)

Gene: FBN3 (fibrillin 3; minus strand). Cytogenetic location: 19p13.2.
Variant type: single nucleotide variant.
Coding change: c.1331G>A on transcript NM_032447.5 (MANE Select); coding-DNA position 1331, G replaced by A.
Protein change: p.Arg444His; replaces arginine 444 with histidine.
Molecular consequence: missense variant.
Genome position (GRCh38, 1-based): chr19:8,136,402, C>T on the plus strand (G>A on the coding strand, the complement: FBN3 is on the minus strand). VCF-style: chr19-8136402-C-T. GRCh37 (hg19) VCF-style: chr19-8201286-C-T.
Other names: c.1331G>A, p.Arg444His (NM_001321431.2); short protein forms R444H.
Identifiers: ClinVar variation 2397330 (VCV002397330.6), dbSNP rs774085552, ClinGen allele CA9153390.

ClinVar aggregate classification (germline): Uncertain significance. Review status: criteria provided, multiple submitters, no conflicts (2 of 4 stars). 2 submissions from 2 submitters: Uncertain significance (2). Last evaluated 2025-06-02.

Allele frequency attached by ClinVar (database versions not stated): TOPMed 0.00005; gnomAD 0.00009; ExAC 0.00003; gnomAD exomes 0.00005.
gnomAD v4.1: 84 of 1,613,894 alleles (0.0052%); highest among the groups gnomAD compares: Non-Finnish European, 0.006%; no homozygotes.

Submissions (2):

Labcorp Genetics (formerly Invitae), Labcorp
Classification: Uncertain significance. Last evaluated: 2025-06-02. Review status: criteria provided, single submitter. Criteria: Invitae Variant Classification Sherloc (09022015). Collection method: clinical testing. Allele origin: germline.
Comment: This sequence change replaces arginine, which is basic and polar, with histidine, which is basic and polar, at codon 444 of the FBN3 protein (p.Arg444His). This variant is present in population databases (rs774085552, gnomAD 0.004%). This variant has not been reported in the literature in individuals affected with FBN3-related conditions. ClinVar contains an entry for this variant (Variation ID: 2397330). Invitae Evidence Modeling of protein sequence and biophysical properties (such as structural, functional, and spatial information, amino acid conservation, physicochemical variation, residue mobility, and thermodynamic stability) indicates that this missense variant is not expected to disrupt FBN3 protein function with a negative predictive value of 80%. In summary, the available evidence is currently insufficient to determine the role of this variant in disease. Therefore, it has been classified as a Variant of Uncertain Significance.

Ambry Genetics
Classification: Uncertain significance. Last evaluated: 2024-04-15. Review status: criteria provided, single submitter. Criteria: Ambry Variant Classification Scheme 2023. Collection method: clinical testing. Allele origin: germline.